The following is an entry in ClinVar:

ClinVar aggregate classification (germline): Likely benign (1 of 4 stars; one submission).

Allele frequency attached by ClinVar (database versions not stated): ExAC 0.00002; gnomAD 0.00003; gnomAD exomes 0.00003; TOPMed 0.00005; ESP Exome Variant Server 0.00015.
gnomAD v4.1: 50 of 1,607,338 alleles (0.0031%); highest among the groups gnomAD compares: African/African-American, 0.008%; no homozygotes.

Submission:

CeGaT Center for Human Genetics Tuebingen
Classification: Likely benign. Last evaluated: 2022-04-01. Review status: criteria provided, single submitter. Criteria: CeGaT Center For Human Genetics Tuebingen Variant Classification Criteria Version 2. Collection method: clinical testing. Allele origin: germline. Affected: yes. Observed: 1 variant allele.
Comment: SLC9A8: BP4, BP7

NM_015266.3(SLC9A8):c.1650C>T (p.His550=)

Gene: SLC9A8 (solute carrier family 9 member A8; plus strand). Cytogenetic location: 20q13.13.
Variant type: single nucleotide variant.
Coding change: c.1650C>T on transcript NM_015266.3 (MANE Select); coding-DNA position 1650, C replaced by T.
Protein change: p.His550=; no amino-acid change (histidine 550 retained).
Molecular consequence: synonymous variant. On other transcripts: non-coding transcript variant (4).
Genome position (GRCh38, 1-based): chr20:49,887,840, C>T. VCF-style: chr20-49887840-C-T. GRCh37 (hg19) VCF-style: chr20-48504377-C-T.
Other names: c.1698C>T, p.His566= (NM_001260491.2).
Identifiers: ClinVar variation 2652391 (VCV002652391.24), dbSNP rs375594165, ClinGen allele CA9904740.